The following is an entry in ClinVar:

NM_000448.3(RAG1):c.2605G>T (p.Val869Phe)

Gene: RAG1 (recombination activating 1; plus strand). Cytogenetic location: 11p12.
Variant type: single nucleotide variant.
Coding change: c.2605G>T on transcript NM_000448.3 (MANE Select); coding-DNA position 2605, G replaced by T.
Protein change: p.Val869Phe; replaces valine 869 with phenylalanine.
Molecular consequence: missense variant.
Genome position (GRCh38, 1-based): chr11:36,575,909, G>T. VCF-style: chr11-36575909-G-T. GRCh37 (hg19) VCF-style: chr11-36597459-G-T.
Other names: c.2605G>T, p.Val869Phe (NM_001377277.1, NM_001377278.1, NM_001377279.1 and 1 more transcripts); short protein forms V869F.
Identifiers: ClinVar variation 860692 (VCV000860692.9), dbSNP rs201313833, ClinGen allele CA380155179.

ClinVar aggregate classification (germline): Uncertain significance (1 of 4 stars; one submission).

Conditions:
Severe combined immunodeficiency, autosomal recessive, T cell-negative, B cell-negative, NK cell-positive. Also called: SCID, T CELL-NEGATIVE, B CELL-NEGATIVE, NK CELL-POSITIVE; SCID, AR, T-cell negative, B-cell negative, NK cell-positive; Severe combined immunodeficiency due to complete RAG1/2 deficiency. Identifiers: Orphanet 331206, MedGen C1832322, MONDO:0011086, OMIM 601457.
Combined immunodeficiency with skin granulomas. Identifiers: Orphanet 157949, MedGen C2673536, MONDO:0009306, OMIM 233650.

gnomAD v4.1: 4 of 1,614,192 alleles (0.00025%); highest among the groups gnomAD compares: Non-Finnish European, 0.00034%; no homozygotes.

Submission:

Labcorp Genetics (formerly Invitae), Labcorp
Classification: Uncertain significance for Combined immunodeficiency with skin granulomas; Severe combined immunodeficiency, autosomal recessive, T cell-negative, B cell-negative, NK cell-positive. Last evaluated: 2019-04-18. Review status: criteria provided, single submitter. Criteria: Invitae Variant Classification Sherloc (09022015). Collection method: clinical testing. Allele origin: germline.
Comment: This sequence change replaces valine with phenylalanine at codon 869 of the RAG1 protein (p.Val869Phe). The valine residue is highly conserved and there is a small physicochemical difference between valine and phenylalanine. This variant is not present in population databases (ExAC no frequency). This variant has not been reported in the literature in individuals with RAG1-related conditions. Algorithms developed to predict the effect of missense changes on protein structure and function are either unavailable or do not agree on the potential impact of this missense change (SIFT: "Deleterious"; PolyPhen-2: "Probably Damaging"; Align-GVGD: "Class C0"). In summary, the available evidence is currently insufficient to determine the role of this variant in disease. Therefore, it has been classified as a Variant of Uncertain Significance.